The following is an entry in ClinVar:

NM_144666.3(DNHD1):c.10216C>T (p.Gln3406Ter)

Gene: DNHD1 (dynein heavy chain domain 1; plus strand). Cytogenetic location: 11p15.4.
Variant type: single nucleotide variant.
Coding change: c.10216C>T on transcript NM_144666.3 (MANE Select); coding-DNA position 10216, C replaced by T.
Protein change: p.Gln3406Ter; replaces glutamine 3406 with a stop codon.
Molecular consequence: nonsense.
Genome position (GRCh38, 1-based): chr11:6,564,056, C>T. VCF-style: chr11-6564056-C-T. GRCh37 (hg19) VCF-style: chr11-6585286-C-T.
Other names: short protein forms Q3406*.
Identifiers: ClinVar variation 4845795 (VCV004845795.1).
Genomic context (GRCh38, chr11:6,564,056, plus strand): 5'-GAGGATGCCCAAGCTTCCCACAACTGCGTGGCAAAGACCCTCAGTCAAGCACAGTGTGGG[C>T]AGTATCACAAATGGCCCATGAAGGCTGCACTGCTCACGCCTATGCGTGCCTGGACTACAC-3'

ClinVar aggregate classification (germline): Likely pathogenic (1 of 4 stars; one submission).

Conditions:
Spermatogenic failure 65 (SPGF65). Identifiers: MedGen C5562067, MONDO:0030531, OMIM 619712.

Submission:

First Genomix Gene Laboratory, Genetic Diagnostics Department
Classification: Likely pathogenic for Spermatogenic failure 65. Last evaluated: 2025-03-26. Review status: criteria provided, single submitter. Criteria: ACMG Guidelines, 2015. Collection method: clinical testing. Allele origin: germline. Inheritance: Autosomal recessive inheritance. Affected: no. Observed: 1 variant allele.